The following is an entry in ClinVar:

NM_014244.5(ADAMTS2):c.1283_1284insTAAGAGACAG (p.Glu428fs)

Gene: ADAMTS2 (ADAM metallopeptidase with thrombospondin type 1 motif 2; minus strand). Cytogenetic location: 5q35.3.
Variant type: Insertion.
Coding change: c.1283_1284insTAAGAGACAG on transcript NM_014244.5 (MANE Select); coding-DNA positions 1283 to 1284, TAAGAGACAG inserted.
Protein change: p.Glu428fs; shifts the reading frame from glutamic acid 428.
Molecular consequence: frameshift variant.
Genome position: GRCh38 VCF-style: chr5-179154147-C-CCTGTCTCTTA. GRCh37 (hg19) VCF-style: chr5-178581148-C-CCTGTCTCTTA.
Other names: c.1283_1284insTAAGAGACAG, p.Glu428fs (NM_021599.4); short protein forms E428fs.
Identifiers: ClinVar variation 5010983 (VCV005010983.1).

ClinVar aggregate classification (germline): Pathogenic (1 of 4 stars; one submission).

Conditions:
Ehlers-Danlos syndrome, dermatosparaxis type. Also called: EDS VIIC; Dermatosparaxis; Ehlers-Danlos syndrome, type VII, autosomal recessive. Identifiers: Orphanet 1901, MedGen C2700425, MONDO:0009161, OMIM 225410.

Submission:

Myriad Genetics, Inc.
Classification: Pathogenic for Ehlers-Danlos syndrome, dermatosparaxis type. Last evaluated: 2024-05-14. Review status: criteria provided, single submitter. Criteria: Myriad Autosomal Dominant, Autosomal Recessive and X-Linked Classification Criteria (2023). Collection method: clinical testing. Allele origin: unknown.
Comment: NM_014244.4(ADAMTS2):c.1283_1284ins10(E428Dfs*40) is expected to be pathogenic in the context of Ehlers-Danlos syndrome, ADAMTS2-related. This variant is predicted to lead to an abnormal or absent protein product due to the creation of a premature termination codon in ADAMTS2, a gene where loss-of-function variants are known to be pathogenic. Please note: this variant was assessed in the context of healthy population screening.